The following is an entry in ClinVar:

ClinVar aggregate classification (germline): Likely benign. Review status: criteria provided, multiple submitters, no conflicts (2 of 4 stars). 2 submissions from 2 submitters: Likely benign (2). Last evaluated 2024-11-21.

Allele frequency attached by ClinVar (database versions not stated): ExAC 0.00002; TOPMed 0.00004.
gnomAD v4.1: 35 of 1,614,020 alleles (0.0022%); highest among the groups gnomAD compares: African/African-American, 0.004%; no homozygotes.

Submissions (2):

Labcorp Genetics (formerly Invitae), Labcorp
Classification: Likely benign. Last evaluated: 2024-11-21. Review status: criteria provided, single submitter. Criteria: Invitae Variant Classification Sherloc (09022015). Collection method: clinical testing. Allele origin: germline.

CeGaT Center for Human Genetics Tuebingen
Classification: Likely benign. Last evaluated: 2023-09-01. Review status: criteria provided, single submitter. Criteria: CeGaT Center For Human Genetics Tuebingen Variant Classification Criteria Version 2. Collection method: clinical testing. Allele origin: germline. Affected: yes. Observed: 1 variant allele.
Comment: LAMA1: BP4, BP7

NM_005559.4(LAMA1):c.1674G>A (p.Ala558=)

Gene: LAMA1 (laminin subunit alpha 1; minus strand). Cytogenetic location: 18p11.31.
Variant type: single nucleotide variant.
Coding change: c.1674G>A on transcript NM_005559.4 (MANE Select); coding-DNA position 1674, G replaced by A.
Protein change: p.Ala558=; no amino-acid change (alanine 558 retained).
Molecular consequence: synonymous variant.
Genome position (GRCh38, 1-based): chr18:7,037,641, C>T on the plus strand (G>A on the coding strand, the complement: LAMA1 is on the minus strand). VCF-style: chr18-7037641-C-T. GRCh37 (hg19) VCF-style: chr18-7037640-C-T.
Identifiers: ClinVar variation 733182 (VCV000733182.31), dbSNP rs779404663, ClinGen allele CA8882920.